The following is an entry in ClinVar:

ClinVar aggregate classification (germline): Uncertain significance (1 of 4 stars; one submission).

Conditions:
Charcot-Marie-Tooth disease axonal type 2C (HMSN2C). Also called: CHARCOT-MARIE-TOOTH DISEASE, AXONAL, AUTOSOMAL DOMINANT, TYPE 2C; Charcot-Marie-Tooth Neuropathy Type 2C; Charcot-Marie-Tooth Disease Type 2, TRPV4-Related (CMT2C). Identifiers: Orphanet 99937, MedGen C1853710, MONDO:0011633, OMIM 606071.

Submission:

Labcorp Genetics (formerly Invitae), Labcorp
Classification: Uncertain significance for Charcot-Marie-Tooth disease axonal type 2C. Last evaluated: 2025-02-16. Review status: criteria provided, single submitter. Criteria: Invitae Variant Classification Sherloc (09022015). Collection method: clinical testing. Allele origin: germline.
Comment: This sequence change creates a premature translational stop signal (p.Tyr805Leufs*63) in the TRPV4 gene. While this is not anticipated to result in nonsense mediated decay, it is expected to disrupt the last 67 amino acid(s) of the TRPV4 protein. This variant is not present in population databases (gnomAD no frequency). This variant has not been reported in the literature in individuals affected with TRPV4-related conditions. In summary, the available evidence is currently insufficient to determine the role of this variant in disease. Therefore, it has been classified as a Variant of Uncertain Significance.

NM_021625.5(TRPV4):c.2413dup (p.Tyr805fs)

Gene: TRPV4 (transient receptor potential cation channel subfamily V member 4; minus strand). Cytogenetic location: 12q24.11.
Variant type: Duplication.
Coding change: c.2413dup on transcript NM_021625.5 (MANE Select); coding-DNA position 2413, one base duplicated (T; older notation c.2413dupT).
Protein change: p.Tyr805fs; shifts the reading frame from tyrosine 805.
Molecular consequence: frameshift variant.
Genome position (GRCh38, 1-based): chr12:109,784,361, A duplicated on the plus strand (T on the coding strand, the reverse complement: TRPV4 is on the minus strand). VCF-style (leftmost placement, unchanged base first): chr12-109784360-T-TA. GRCh37 (hg19) VCF-style: chr12-110222165-T-TA.
Other names: c.2272dup, p.Tyr758Leufs (NM_001177428.2); c.2311dup, p.Tyr771Leufs (NM_001177431.2); c.2092dup, p.Tyr698Leufs (NM_001177433.2); c.2233dup, p.Tyr745Leufs (NM_147204.3); short protein forms Y698fs, Y745fs, Y758fs, Y771fs, Y805fs.
Identifiers: ClinVar variation 4713191 (VCV004713191.1).
Genomic context (GRCh38, chr12:109,784,360, plus strand): 5'-CCGCCCCTCCACTCACCCCTGCGGAGGCGGCCCACGGTATGCGAGAAGCCATAATACTGG[T>TA]AGGTCTCATTCTTGCCCGGGTCCTCGTTGATGATGCCCAAGTTCTGGTTCCAGTGAGACC-3'